The following is an entry in ClinVar:

ClinVar aggregate classification (germline): Likely pathogenic (1 of 4 stars; one submission).

Conditions:
Alstrom syndrome (ALMS). Identifiers: Orphanet 64, MedGen C0268425, MONDO:0008763, OMIM 203800.

Submission:

Natera, Inc.
Classification: Likely pathogenic for Alstrom syndrome. Last evaluated: 2024-11-25. Review status: criteria provided, single submitter. Criteria: Natera Variant Classification Schema (03/2026). Collection method: clinical testing. Allele origin: germline.
Comment: The c.5661_5662del variant in ALMS1 is a frameshift variant predicted to shift the reading frame beginning at codon 1888 and leads to a stop codon 7 codons downstream. This variant is expected to result in nonsense mediated decay, truncation, or a dysfunctional protein product. This variant is rare in the general population with a frequency below the threshold expected for the associated phenotype(s). Given the available evidence, this variant is classified as Likely Pathogenic.

NM_001378454.1(ALMS1):c.5658_5659del (p.Gly1887fs)

Gene: ALMS1 (ALMS1 centrosome and basal body associated protein; plus strand). Cytogenetic location: 2p13.1.
Variant type: Deletion.
Coding change: c.5658_5659del on transcript NM_001378454.1 (MANE Select); coding-DNA positions 5658 to 5659, 2 bases deleted (TG; older notation c.5658_5659delTG).
Protein change: p.Gly1887fs; shifts the reading frame from glycine 1887.
Molecular consequence: frameshift variant.
Genome position (GRCh38, 1-based): chr2:73,452,185-73,452,186, TG deleted. VCF-style (leftmost placement, unchanged base first): chr2-73452184-CTG-C. GRCh37 (hg19) VCF-style: chr2-73679311-CTG-C.
Other names: c.5661_5662del, p.Gly1888fs (NM_015120.4); short protein forms G1887fs, G1888fs.
Identifiers: ClinVar variation 4815793 (VCV004815793.1).